The following is an entry in ClinVar:

ClinVar aggregate classification (germline): Uncertain significance. Review status: criteria provided, multiple submitters, no conflicts (2 of 4 stars). 3 submissions from 3 submitters: Uncertain significance (3). Last evaluated 2026-04-11.

Conditions:
Inborn genetic diseases. Identifiers: MedGen C0950123, MeSH D030342.

Allele frequency attached by ClinVar (database versions not stated): gnomAD 0.00010 and 0.00011; ExAC 0.00001; gnomAD exomes 0.00002; TOPMed 0.00031.
gnomAD v4.1: 40 of 1,613,504 alleles (0.0025%); highest among the groups gnomAD compares: Admixed American, 0.048%; 1 homozygote.

Submissions (3):

Ambry Genetics
Classification: Uncertain significance for Inborn genetic diseases. Last evaluated: 2026-04-11. Review status: criteria provided, single submitter. Criteria: Ambry Variant Classification Scheme 2023. Collection method: clinical testing. Allele origin: germline.
Comment: The c.829C>T (p.R277W) alteration is located in exon 2 (coding exon 2) of the FZD4 gene. This alteration results from a C to T substitution at nucleotide position 829, causing the arginine (R) at amino acid position 277 to be replaced by a tryptophan (W). Based on data from gnomAD, the T allele has an overall frequency of 0.002% (6/251022) total alleles studied. The highest observed frequency was 0.015% (5/34564) of Latino alleles. Based on insufficient or conflicting evidence, the clinical significance of this alteration remains unclear.

Labcorp Genetics (formerly Invitae), Labcorp
Classification: Uncertain significance. Last evaluated: 2026-01-26. Review status: criteria provided, single submitter. Criteria: Invitae Variant Classification Sherloc (09022015). Collection method: clinical testing. Allele origin: germline.
Comment: This sequence change replaces arginine, which is basic and polar, with tryptophan, which is neutral and slightly polar, at codon 277 of the FZD4 protein (p.Arg277Trp). This variant is present in population databases (rs768216168, gnomAD 0.01%). This variant has not been reported in the literature in individuals affected with FZD4-related conditions. ClinVar contains an entry for this variant (Variation ID: 850944). Invitae Evidence Modeling of protein sequence and biophysical properties (such as structural, functional, and spatial information, amino acid conservation, physicochemical variation, residue mobility, and thermodynamic stability) has been performed for this missense variant. However, the output from this modeling did not meet the statistical confidence thresholds required to predict the impact of this variant on FZD4 protein function. In summary, the available evidence is currently insufficient to determine the role of this variant in disease. Therefore, it has been classified as a Variant of Uncertain Significance.

GeneDx
Classification: Uncertain significance. Last evaluated: 2019-11-26. Review status: criteria provided, single submitter. Criteria: GeneDx Variant Classification Process June 2021. Collection method: clinical testing. Allele origin: germline. Affected: yes.
Comment: In silico analysis, which includes protein predictors and evolutionary conservation, supports a deleterious effect; Has not been previously published as pathogenic or benign to our knowledge

NM_012193.4(FZD4):c.829C>T (p.Arg277Trp)

Genes: FZD4 (frizzled class receptor 4; minus strand), PRSS23 (serine protease 23; plus strand). Cytogenetic location: 11q14.2.
Variant type: single nucleotide variant.
Coding change: c.829C>T on transcript NM_012193.4 (MANE Select); coding-DNA position 829, C replaced by T.
Protein change: p.Arg277Trp; replaces arginine 277 with tryptophan.
Molecular consequence: missense variant. On other transcripts: non-coding transcript variant (2).
Genome position (GRCh38, 1-based): chr11:86,951,927, G>A on the plus strand (C>T on the coding strand, the complement: FZD4 is on the minus strand). VCF-style: chr11-86951927-G-A. GRCh37 (hg19) VCF-style: chr11-86662969-G-A.
Other names: short protein forms R277W.
Identifiers: ClinVar variation 850944 (VCV000850944.14), dbSNP rs768216168, ClinGen allele CA6218409.